The following is an entry in ClinVar:

ClinVar aggregate classification (germline): Uncertain significance. Review status: criteria provided, multiple submitters, no conflicts (2 of 4 stars). 3 submissions from 3 submitters: Uncertain significance (3). Last evaluated 2023-12-07.

Conditions:
Hypertrophic cardiomyopathy. Also called: HYPERTROPHIC MYOCARDIOPATHY. Identifiers: Orphanet 217569, MedGen C0007194, MeSH D002312, MONDO:0005045, HP:0001639.
Cardiomyopathy (CMYO). Also called: Cardiomyopathies. Identifiers: Orphanet 167848, MedGen C0878544, MONDO:0004994, HP:0001638. Inheritance: Various modes of inheritance.

Submissions (3):

Labcorp Genetics (formerly Invitae), Labcorp
Classification: Uncertain significance for Hypertrophic cardiomyopathy. Last evaluated: 2023-12-07. Review status: criteria provided, single submitter. Criteria: Invitae Variant Classification Sherloc (09022015). Collection method: clinical testing. Allele origin: germline.
Comment: This sequence change replaces lysine, which is basic and polar, with arginine, which is basic and polar, at codon 1757 of the MYH7 protein (p.Lys1757Arg). This variant is not present in population databases (gnomAD no frequency). This variant has not been reported in the literature in individuals affected with MYH7-related conditions. ClinVar contains an entry for this variant (Variation ID: 1498749). Advanced modeling of protein sequence and biophysical properties (such as structural, functional, and spatial information, amino acid conservation, physicochemical variation, residue mobility, and thermodynamic stability) performed at Invitae indicates that this missense variant is expected to disrupt MYH7 protein function with a positive predictive value of 95%. In summary, the available evidence is currently insufficient to determine the role of this variant in disease. Therefore, it has been classified as a Variant of Uncertain Significance.

Color Diagnostics, LLC DBA Color Health
Classification: Uncertain significance for Cardiomyopathy. Last evaluated: 2023-11-20. Review status: criteria provided, single submitter. Criteria: ACMG Guidelines, 2015. Collection method: clinical testing. Allele origin: germline.
Comment: This missense variant replaces lysine with arginine at codon 1757 of the MYH7 protein. Computational prediction is inconclusive regarding the impact of this variant on protein structure and function (internally defined REVEL score threshold 0.5 < inconclusive < 0.7, PMID: 27666373). To our knowledge, functional studies have not been reported for this variant. This variant has not been reported in individuals affected with MYH7-related disorders in the literature. This variant has not been identified in the general population by the Genome Aggregation Database (gnomAD). The available evidence is insufficient to determine the role of this variant in disease conclusively. Therefore, this variant is classified as a Variant of Uncertain Significance.

All of Us Research Program, National Institutes of Health
Classification: Uncertain significance for Cardiomyopathy. Last evaluated: 2023-06-28. Review status: criteria provided, single submitter. Criteria: ACMG Guidelines, 2015. Collection method: clinical testing. Allele origin: germline. Inheritance: Autosomal dominant inheritance. Observed: 1 variant allele, 1 heterozygote.
Comment: This study involves interpretation of variants in research participants for the purpose of population health screening. Participant phenotype was not available at the time of variant classification. Additional details can be found in publication PMID: 35346344, PMCID: PMC8962531

NM_000257.4(MYH7):c.5270A>G (p.Lys1757Arg)

Genes: MYH7 (myosin heavy chain 7; minus strand), LOC126861897 (BRD4-independent group 4 enhancer GRCh37_chr14:23884455-23885654; plus strand). Cytogenetic location: 14q11.2.
Variant type: single nucleotide variant.
Coding change: c.5270A>G on transcript NM_000257.4 (MANE Select); coding-DNA position 5270, A replaced by G.
Protein change: p.Lys1757Arg; replaces lysine 1757 with arginine.
Molecular consequence: missense variant.
Genome position (GRCh38, 1-based): chr14:23,415,394, T>C on the plus strand (A>G on the coding strand, the complement: MYH7 is on the minus strand). VCF-style: chr14-23415394-T-C. GRCh37 (hg19) VCF-style: chr14-23884603-T-C.
Other names: short protein forms K1757R.
Identifiers: ClinVar variation 1498749 (VCV001498749.9), dbSNP rs2138639265, ClinGen allele CA389036088.
Genomic context (GRCh38, chr14:23,415,394, plus strand): 5'-ACGGAGAGACACTGGTCTGGATCGGGTCGGTGGAGTGGGGGACTTACATCCGTGATGGCC[T>C]TCTTGGCCTTCTCCTCAGCATTCCTGCACTCCTGCACTGCCTCCTCCACTTCAGTCTGGA-3'
Protein context (NP_000248.2, residues 1747-1767): ECRNAEEKAK[Lys1757Arg]AITDAAMMAE